The following is an entry in ClinVar:

ClinVar aggregate classification (germline): Uncertain significance (1 of 4 stars; one submission).

Allele frequency attached by ClinVar (database versions not stated): gnomAD exomes below 0.00001.
gnomAD v4.1: 1 of 1,613,192 alleles (0.000062%); no homozygotes.

Submission:

GeneDx
Classification: Uncertain significance. Last evaluated: 2024-12-16. Review status: criteria provided, single submitter. Criteria: GeneDx Variant Classification Process June 2021. Collection method: clinical testing. Allele origin: germline.
Comment: Not observed at significant frequency in large population cohorts (gnomAD); In silico analysis supports that this missense variant has a deleterious effect on protein structure/function; Has not been previously published as pathogenic or benign to our knowledge

NM_018896.5(CACNA1G):c.3977C>T (p.Thr1326Ile)

Gene: CACNA1G (calcium voltage-gated channel subunit alpha1 G; plus strand). Cytogenetic location: 17q21.33.
Variant type: single nucleotide variant.
Coding change: c.3977C>T on transcript NM_018896.5 (MANE Select); coding-DNA position 3977, C replaced by T.
Protein change: p.Thr1326Ile; replaces threonine 1326 with isoleucine.
Molecular consequence: missense variant. On other transcripts: non-coding transcript variant (5).
Genome position (GRCh38, 1-based): chr17:50,602,881, C>T. VCF-style: chr17-50602881-C-T. GRCh37 (hg19) VCF-style: chr17-48680242-C-T.
Other names: c.3977C>T, p.Thr1326Ile (NM_001256324.2, NM_001256325.2, NM_001256326.2 and 16 more transcripts); c.3908C>T, p.Thr1303Ile (NM_001256332.2, NM_198376.3, NM_198379.3 and 5 more transcripts); short protein forms T1303I, T1326I.
Identifiers: ClinVar variation 2576749 (VCV002576749.2), dbSNP rs2545486933, ClinGen allele CA400255493.